The following is an entry in ClinVar:

NM_004304.5(ALK):c.568A>G (p.Met190Val)

Gene: ALK (ALK receptor tyrosine kinase; minus strand). Cytogenetic location: 2p23.1.
Variant type: single nucleotide variant.
Coding change: c.568A>G on transcript NM_004304.5 (MANE Select); coding-DNA position 568, A replaced by G.
Protein change: p.Met190Val; replaces methionine 190 with valine.
Molecular consequence: missense variant.
Genome position (GRCh38, 1-based): chr2:29,920,092, T>C on the plus strand (A>G on the coding strand, the complement: ALK is on the minus strand). VCF-style: chr2-29920092-T-C. GRCh37 (hg19) VCF-style: chr2-30142958-T-C.
Other names: short protein forms M190V.
Identifiers: ClinVar variation 964569 (VCV000964569.11), dbSNP rs901176586, ClinGen allele CA45004749.
Genomic context (GRCh38, chr2:29,920,092, plus strand): 5'-CGCGAATTGCCGCGGACAGCCTTCCCTCTCTGCCCACTTCCGACGCCTTCTTCTCGGGCA[T>C]CAGGCGGATCCTCAGTCGCCCTTCGCCTTGGCGAATCCACCAACTGAACAGCTCGCTGAG-3'
Protein context (NP_004295.2, residues 180-200): QGEGRLRIRL[Met190Val]PEKKASEVGR

ClinVar aggregate classification (germline): Uncertain significance. Review status: criteria provided, multiple submitters, no conflicts (2 of 4 stars). 2 submissions from 2 submitters: Uncertain significance (2). Last evaluated 2025-09-16.

Conditions:
Hereditary cancer-predisposing syndrome. Also called: Hereditary neoplastic syndrome; Hereditary Cancer Syndrome; Tumor predisposition; Neoplastic Syndromes, Hereditary. Identifiers: Orphanet 140162, MedGen C0027672, MeSH D009386, MONDO:0015356.
Neuroblastoma, susceptibility to, 3. Also called: ALK-Related Neuroblastic Tumor Susceptibility. Identifiers: Orphanet 635, MedGen C2751681, MONDO:0013083, OMIM 613014.

Allele frequency attached by ClinVar (database versions not stated): TOPMed below 0.00001; gnomAD 0.00001.

Submissions (2):

Labcorp Genetics (formerly Invitae), Labcorp
Classification: Uncertain significance for Neuroblastoma, susceptibility to, 3. Last evaluated: 2025-09-16. Review status: criteria provided, single submitter. Criteria: Invitae Variant Classification Sherloc (09022015). Collection method: clinical testing. Allele origin: germline.
Comment: This sequence change replaces methionine, which is neutral and non-polar, with valine, which is neutral and non-polar, at codon 190 of the ALK protein (p.Met190Val). This variant is not present in population databases (gnomAD no frequency). This variant has not been reported in the literature in individuals affected with ALK-related conditions. ClinVar contains an entry for this variant (Variation ID: 964569). An algorithm developed to predict the effect of missense changes on protein structure and function (PolyPhen-2) suggests that this variant is likely to be disruptive. In summary, the available evidence is currently insufficient to determine the role of this variant in disease. Therefore, it has been classified as a Variant of Uncertain Significance.

Ambry Genetics
Classification: Uncertain significance for Hereditary cancer-predisposing syndrome. Last evaluated: 2023-09-14. Review status: criteria provided, single submitter. Criteria: Ambry Variant Classification Scheme 2023. Collection method: clinical testing. Allele origin: germline.
Comment: The p.M190V variant (also known as c.568A>G), located in coding exon 1 of the ALK gene, results from an A to G substitution at nucleotide position 568. The methionine at codon 190 is replaced by valine, an amino acid with highly similar properties. This amino acid position is conserved. In addition, the in silico prediction for this alteration is inconclusive. Since supporting evidence is limited at this time, the clinical significance of this alteration remains unclear.